The following is an entry in ClinVar:

ClinVar aggregate classification (germline): Uncertain significance (1 of 4 stars; one submission).

Submission:

GeneDx
Classification: Uncertain significance. Last evaluated: 2025-06-23. Review status: criteria provided, single submitter. Criteria: GeneDx Variant Classification Process June 2021. Collection method: clinical testing. Allele origin: germline. Affected: yes.
Comment: Not observed at significant frequency in large population cohorts (gnomAD); In silico analysis suggests that this missense variant does not alter protein structure/function; Has not been previously published as pathogenic or benign to our knowledge

NM_001378964.1(CDON):c.3457A>C (p.Ser1153Arg)

Gene: CDON (cell adhesion associated, oncogene regulated; minus strand). Cytogenetic location: 11q24.2.
Variant type: single nucleotide variant.
Coding change: c.3457A>C on transcript NM_001378964.1 (MANE Select); coding-DNA position 3457, A replaced by C.
Protein change: p.Ser1153Arg; replaces serine 1153 with arginine.
Molecular consequence: missense variant.
Genome position (GRCh38, 1-based): chr11:125,961,898, T>G on the plus strand (A>C on the coding strand, the complement: CDON is on the minus strand). VCF-style: chr11-125961898-T-G. GRCh37 (hg19) VCF-style: chr11-125831793-T-G.
Other names: c.3457A>C, p.Ser1153Arg (NM_001243597.3, NM_001441161.1, NM_001441162.1 and 5 more transcripts); short protein forms S1153R.
Identifiers: ClinVar variation 4540259 (VCV004540259.1).